The following is an entry in ClinVar:

ClinVar aggregate classification (germline): Uncertain significance. Review status: criteria provided, multiple submitters, no conflicts (2 of 4 stars). 2 submissions from 2 submitters: Uncertain significance (2). Last evaluated 2025-05-16.

Conditions:
Hereditary cancer-predisposing syndrome. Also called: Neoplastic Syndromes, Hereditary; Hereditary Cancer Syndrome; Hereditary neoplastic syndrome; Tumor predisposition. Identifiers: Orphanet 140162, MedGen C0027672, MeSH D009386, MONDO:0015356.
EGFR-related lung cancer (EGFR). Identifiers: MedGen CN130014.

Submissions (2):

Ambry Genetics
Classification: Uncertain significance for Hereditary cancer-predisposing syndrome. Last evaluated: 2025-05-16. Review status: criteria provided, single submitter. Criteria: Ambry Variant Classification Scheme 2023. Collection method: clinical testing. Allele origin: germline.
Comment: The p.S1028T variant (also known as c.3082T>A), located in coding exon 25 of the EGFR gene, results from a T to A substitution at nucleotide position 3082. The serine at codon 1028 is replaced by threonine, an amino acid with similar properties. This amino acid position is conserved. In addition, this alteration is predicted to be tolerated by in silico analysis. Based on the available evidence, the clinical significance of this variant remains unclear.

Labcorp Genetics (formerly Invitae), Labcorp
Classification: Uncertain significance for EGFR-related lung cancer. Last evaluated: 2021-10-25. Review status: criteria provided, single submitter. Criteria: Invitae Variant Classification Sherloc (09022015). Collection method: clinical testing. Allele origin: germline.
Comment: In summary, the available evidence is currently insufficient to determine the role of this variant in disease. Therefore, it has been classified as a Variant of Uncertain Significance. Algorithms developed to predict the effect of missense changes on protein structure and function (SIFT, PolyPhen-2, Align-GVGD) all suggest that this variant is likely to be tolerated, but these predictions have not been confirmed by published functional studies and their clinical significance is uncertain. This variant has not been reported in the literature in individuals with EGFR-related conditions. This variant is not present in population databases (ExAC no frequency). This sequence change replaces serine with threonine at codon 1028 of the EGFR protein (p.Ser1028Thr). The serine residue is moderately conserved and there is a small physicochemical difference between serine and threonine.

NM_005228.5(EGFR):c.3082T>A (p.Ser1028Thr)

Gene: EGFR (epidermal growth factor receptor; plus strand). Cytogenetic location: 7p11.2.
Variant type: single nucleotide variant.
Coding change: c.3082T>A on transcript NM_005228.5 (MANE Select); coding-DNA position 3082, T replaced by A.
Protein change: p.Ser1028Thr; replaces serine 1028 with threonine.
Molecular consequence: missense variant.
Genome position (GRCh38, 1-based): chr7:55,201,323, T>A. VCF-style: chr7-55201323-T-A. GRCh37 (hg19) VCF-style: chr7-55269016-T-A.
Other names: c.3082T>A (NM_005228.3); c.2947T>A, p.Ser983Thr (NM_001346897.2, NM_001346899.2); c.3082T>A, p.Ser1028Thr (NM_001346898.2); c.2923T>A, p.Ser975Thr (NM_001346900.2); c.2281T>A, p.Ser761Thr (NM_001346941.2); short protein forms S761T, S975T, S983T, S1028T.
Identifiers: ClinVar variation 1437321 (VCV001437321.7), dbSNP rs2128971728, ClinGen allele CA367582698.
Genomic context (GRCh38, chr7:55,201,323, plus strand): 5'-GACGACGTGGTGGATGCCGACGAGTACCTCATCCCACAGCAGGGCTTCTTCAGCAGCCCC[T>A]CCACGTCACGGACTCCCCTCCTGAGCTCTCTGGTATGAAATCTCTGTCTCTCTCTCTCTC-3'
Protein context (NP_005219.2, residues 1018-1038): IPQQGFFSSP[Ser1028Thr]TSRTPLLSSL